The following is an entry in ClinVar:

NM_173728.4(ARHGEF15):c.2506C>T (p.Pro836Ser)

Gene: ARHGEF15 (Rho guanine nucleotide exchange factor 15; plus strand). Cytogenetic location: 17p13.1.
Variant type: single nucleotide variant.
Coding change: c.2506C>T on transcript NM_173728.4 (MANE Select); coding-DNA position 2506, C replaced by T.
Protein change: p.Pro836Ser; replaces proline 836 with serine.
Molecular consequence: missense variant.
Genome position (GRCh38, 1-based): chr17:8,320,973, C>T. VCF-style: chr17-8320973-C-T. GRCh37 (hg19) VCF-style: chr17-8224291-C-T.
Other names: c.2506C>T, p.Pro836Ser (NM_025014.2); c.2506C>T (NM_173728.3); short protein forms P836S.
Identifiers: ClinVar variation 1434997 (VCV001434997.10), dbSNP rs1905351176, ClinGen allele CA398026160.

ClinVar aggregate classification (germline): Uncertain significance. Review status: criteria provided, multiple submitters, no conflicts (2 of 4 stars). 2 submissions from 2 submitters: Uncertain significance (2). Last evaluated 2024-07-28.

Conditions:
Early-infantile DEE. Also called: Early infantile epileptic encephalopathy; Ohtahara syndrome; Early infantile epileptic encephalopathy with suppression bursts. Identifiers: Orphanet 1934, MedGen C0393706, MONDO:0800491.

Allele frequency attached by ClinVar (database versions not stated): gnomAD exomes below 0.00001; TOPMed 0.00001.
gnomAD v4.1: 5 of 1,613,866 alleles (0.00031%); highest among the groups gnomAD compares: Non-Finnish European, 0.00017%; no homozygotes.

Submissions (2):

Ambry Genetics
Classification: Uncertain significance. Last evaluated: 2024-07-28. Review status: criteria provided, single submitter. Criteria: Ambry Variant Classification Scheme 2023. Collection method: clinical testing. Allele origin: germline.

Labcorp Genetics (formerly Invitae), Labcorp
Classification: Uncertain significance for Early-infantile DEE. Last evaluated: 2022-06-20. Review status: criteria provided, single submitter. Criteria: Invitae Variant Classification Sherloc (09022015). Collection method: clinical testing. Allele origin: germline.
Comment: Algorithms developed to predict the effect of missense changes on protein structure and function output the following: SIFT: "Deleterious"; PolyPhen-2: "Benign"; Align-GVGD: "Class C0". The serine amino acid residue is found in multiple mammalian species, which suggests that this missense change does not adversely affect protein function. In summary, the available evidence is currently insufficient to determine the role of this variant in disease. Therefore, it has been classified as a Variant of Uncertain Significance. This variant has not been reported in the literature in individuals affected with ARHGEF15-related conditions. This variant is not present in population databases (gnomAD no frequency). This sequence change replaces proline, which is neutral and non-polar, with serine, which is neutral and polar, at codon 836 of the ARHGEF15 protein (p.Pro836Ser).